The following is an entry in ClinVar:

NM_000535.7(PMS2):c.2324del (p.Asn775fs)

Gene: PMS2 (PMS1 homolog 2, mismatch repair system component; minus strand). Cytogenetic location: 7p22.1.
Variant type: Deletion.
Coding change: c.2324del on transcript NM_000535.7 (MANE Select); coding-DNA position 2324, one base deleted (A; older notation c.2324delA).
Protein change: p.Asn775fs; shifts the reading frame from asparagine 775.
Molecular consequence: frameshift variant. On other transcripts: non-coding transcript variant (1).
Genome position (GRCh38, 1-based): chr7:5,977,709, T deleted on the plus strand (A on the coding strand, the reverse complement: PMS2 is on the minus strand); the first of 5 consecutive T bases (chr7:5,977,709-5,977,713); deleting any one gives the same sequence. VCF-style (leftmost placement, unchanged base first): chr7-5977708-GT-G. GRCh37 (hg19) VCF-style: chr7-6017339-GT-G.
Other names: c.2324delA (NM_000535.5); c.1915delA, p.Asn640Thrfs (NM_001018040.1); c.1919del, p.Asn640fs (NM_001322003.2, NM_001322004.2, NM_001322005.2 and 11 more transcripts); c.2168del, p.Asn723fs (NM_001322006.2); c.2006del, p.Asn669fs (NM_001322007.2, NM_001322008.2, NM_001406883.1); c.1952del, p.Asn651fs (NM_001322009.2, NM_001406887.1, NM_001406888.1); c.1763del, p.Asn588fs (NM_001322010.2, NM_001406906.1, NM_001406907.1); c.1391del, p.Asn464fs (NM_001322011.2, NM_001322012.2); and 22 more; short protein forms N374fs, N464fs, N518fs, N536fs, N584fs, N588fs, N604fs, N613fs.
Identifiers: ClinVar variation 2674216 (VCV002674216.2), dbSNP rs2535333011, ClinGen allele CA2695198401.

ClinVar aggregate classification (germline): Pathogenic. Review status: criteria provided, multiple submitters, no conflicts (2 of 4 stars). 2 submissions from 2 submitters: Pathogenic (2). Last evaluated 2025-11-07.

Conditions:
Hereditary cancer-predisposing syndrome. Also called: Tumor predisposition; Hereditary neoplastic syndrome; Neoplastic Syndromes, Hereditary; Hereditary Cancer Syndrome. Identifiers: Orphanet 140162, MedGen C0027672, MeSH D009386, MONDO:0015356.
Lynch syndrome 4 (LYNCH4). Also called: Hereditary non-polyposis colorectal cancer, type 4; Colorectal cancer, hereditary nonpolyposis, type 4. Identifiers: Orphanet 144, MedGen C1838333, MONDO:0013699, OMIM 614337. Disease mechanism: loss of function.

Submissions (2):

Ambry Genetics
Classification: Pathogenic for Hereditary cancer-predisposing syndrome. Last evaluated: 2025-11-07. Review status: criteria provided, single submitter. Criteria: Ambry Variant Classification Scheme 2023. Collection method: clinical testing. Allele origin: germline.
Comment: The c.2324delA pathogenic mutation, located in coding exon 14 of the PMS2 gene, results from a deletion of one nucleotide at nucleotide position 2324, causing a translational frameshift with a predicted alternate stop codon (p.N775Tfs*12). This variant is considered to be rare based on population cohorts in the Genome Aggregation Database (gnomAD). This alteration is expected to result in loss of function by premature protein truncation or nonsense-mediated mRNA decay. As such, this alteration is interpreted as a disease-causing mutation.

Myriad Genetics, Inc.
Classification: Pathogenic for Lynch syndrome 4. Last evaluated: 2023-09-22. Review status: criteria provided, single submitter. Criteria: Myriad Autosomal Dominant, Autosomal Recessive and X-Linked Classification Criteria (2023). Collection method: clinical testing. Allele origin: unknown.
Comment: This variant is considered pathogenic. This variant creates a frameshift predicted to result in premature protein truncation.